The following is an entry in ClinVar:

NM_177438.3(DICER1):c.4031C>T (p.Ser1344Leu)

Gene: DICER1 (dicer 1, ribonuclease III; minus strand). Cytogenetic location: 14q32.13.
Variant type: single nucleotide variant.
Coding change: c.4031C>T on transcript NM_177438.3 (MANE Select); coding-DNA position 4031, C replaced by T.
Protein change: p.Ser1344Leu; replaces serine 1344 with leucine.
Molecular consequence: missense variant.
Genome position (GRCh38, 1-based): chr14:95,103,365, G>A on the plus strand (C>T on the coding strand, the complement: DICER1 is on the minus strand). VCF-style: chr14-95103365-G-A. GRCh37 (hg19) VCF-style: chr14-95569702-G-A.
Other names: c.4031C>T, p.Ser1344Leu (NM_001195573.1, NM_001271282.3, NM_001291628.2 and 1 more transcripts); short protein forms S1344L.
Identifiers: ClinVar variation 933029 (VCV000933029.6), dbSNP rs1566766572, ClinGen allele CA390872917.

ClinVar aggregate classification (germline): Likely pathogenic. Review status: criteria provided, multiple submitters, no conflicts (2 of 4 stars). 2 submissions from 2 submitters: Likely pathogenic (2). Last evaluated 2023-04-11.

Conditions:
DICER1-related tumor predisposition. Also called: DICER1-related pleuropulmonary blastoma cancer predisposition syndrome; DICER1 syndrome. Identifiers: Orphanet 284343, MedGen C3839822, MONDO:0100216.

Submissions (2):

Labcorp Genetics (formerly Invitae), Labcorp
Classification: Likely pathogenic for DICER1-related tumor predisposition. Last evaluated: 2023-04-11. Review status: criteria provided, single submitter. Criteria: Invitae Variant Classification Sherloc (09022015). Collection method: clinical testing. Allele origin: germline.
Comment: This variant is not present in population databases (gnomAD no frequency). This missense change has been observed in individual(s) with clinical features of DICER1-related pleuropulmonary blastoma familial tumor predisposition syndrome (PMID: 33208384). In at least one individual the variant was observed to be de novo. ClinVar contains an entry for this variant (Variation ID: 933029). Advanced modeling of protein sequence and biophysical properties (such as structural, functional, and spatial information, amino acid conservation, physicochemical variation, residue mobility, and thermodynamic stability) performed at Invitae indicates that this missense variant is expected to disrupt DICER1 protein function. Experimental studies have shown that this missense change affects DICER1 function (PMID: 31342592, 31417090). In summary, the currently available evidence indicates that the variant is pathogenic, but additional data are needed to prove that conclusively. Therefore, this variant has been classified as Likely Pathogenic. This sequence change replaces serine, which is neutral and polar, with leucine, which is neutral and non-polar, at codon 1344 of the DICER1 protein (p.Ser1344Leu).

Foulkes Cancer Genetics LDI, Lady Davis Institute for Medical Research
Classification: Likely pathogenic for Pleuropulmonary blastoma. Last evaluated: 2019-07-01. Review status: criteria provided, single submitter. Criteria: ACMG Guidelines, 2015. Collection method: curation. Allele origin: somatic, unknown. Affected: yes. Observed: 2 variant alleles.
Comment: ACMG criteria met: PS3, PM1, PM2, PP3

Literature cited by the submitters: PubMed 33208384 (cited by Labcorp Genetics (formerly Invitae), Labcorp); PubMed 31342592 (cited by Labcorp Genetics (formerly Invitae), Labcorp); PubMed 31417090 (cited by Labcorp Genetics (formerly Invitae), Labcorp); PubMed 21882293 (cited by Foulkes Cancer Genetics LDI, Lady Davis Institute for Medical Research); PubMed 23620094 (cited by Foulkes Cancer Genetics LDI, Lady Davis Institute for Medical Research); PubMed 28825729 (cited by Foulkes Cancer Genetics LDI, Lady Davis Institute for Medical Research).